The following is an entry in ClinVar:

NM_001145715.3(KPNA7):c.1046T>C (p.Leu349Pro)

Gene: KPNA7 (karyopherin subunit alpha 7; minus strand). Cytogenetic location: 7q22.1.
Variant type: single nucleotide variant.
Coding change: c.1046T>C on transcript NM_001145715.3 (MANE Select); coding-DNA position 1046, T replaced by C.
Protein change: p.Leu349Pro; replaces leucine 349 with proline.
Molecular consequence: missense variant.
Genome position (GRCh38, 1-based): chr7:99,185,017, A>G on the plus strand (T>C on the coding strand, the complement: KPNA7 is on the minus strand). VCF-style: chr7-99185017-A-G. GRCh37 (hg19) VCF-style: chr7-98782640-A-G.
Other names: short protein forms L349P.
Identifiers: ClinVar variation 209170 (VCV000209170.2), dbSNP rs797045052, ClinGen allele CA250373.

ClinVar aggregate classification (germline): Uncertain significance (1 of 4 stars; one submission).

Conditions:
Mild intellectual disability. Identifiers: MedGen C0026106, HP:0001256.

Allele frequency attached by ClinVar (database versions not stated): gnomAD exomes below 0.00001; TOPMed 0.00001.
gnomAD v4.1: 2 of 1,551,876 alleles (0.00013%); highest among the groups gnomAD compares: Non-Finnish European, 0.00017%; no homozygotes.

Submission:

Baylor Genetics
Classification: Uncertain significance for Intellectual disability, mild. Last evaluated: 2014-10-07. Review status: criteria provided, single submitter. Criteria: Yang et al. 2013. Collection method: clinical testing. Allele origin: paternal. Inheritance: Autosomal recessive inheritance. Affected: yes. Observed: 1 variant allele, 1 compound heterozygote. Study: Adult_WES.

Literature cited by the submitters: PubMed 26633545.